The following is an entry in ClinVar:

ClinVar aggregate classification (germline): Uncertain significance. Review status: criteria provided, multiple submitters, no conflicts (2 of 4 stars). 2 submissions from 2 submitters: Uncertain significance (2). Last evaluated 2021-09-08.

Conditions:
Myopathy, myofibrillar, 9, with early respiratory failure (MFM9). Also called: EDSTROM MYOPATHY; MYOPATHY, PROXIMAL, WITH EARLY RESPIRATORY MUSCLE INVOLVEMENT; Myopathy, distal, with early respiratory failure, autosomal dominant; Hereditary myopathy with early respiratory failure. Identifiers: Orphanet 178464, Orphanet 34521, MedGen C1863599, MONDO:0011362, OMIM 603689.
Early-onset myopathy with fatal cardiomyopathy (CMYO5). Also called: CONGENITAL MYOPATHY 5 WITH CARDIOMYOPATHY; Salih Myopathy. Identifiers: Orphanet 289377, MedGen C2673677, MONDO:0012714, OMIM 611705. Disease mechanism: loss of function.
Hypertrophic cardiomyopathy 9. Also called: Familial hypertrophic cardiomyopathy 9. Identifiers: MedGen C1861065, MONDO:0013412, OMIM 613765.
Dilated cardiomyopathy 1G (CMD1G). Identifiers: Orphanet 154, MedGen C1858763, MONDO:0011400, OMIM 604145.
Tibial muscular dystrophy (TMD). Also called: UDD MYOPATHY; Tibial muscular dystrophy, tardive; Udd Distal Myopathy – Tibial Muscular Dystrophy. Identifiers: Orphanet 609, MedGen C1838244, MONDO:0010870, OMIM 600334.
Autosomal recessive limb-girdle muscular dystrophy type 2J (LGMDR10). Also called: MUSCULAR DYSTROPHY, LIMB-GIRDLE, AUTOSOMAL RECESSIVE 10; Limb-girdle muscular dystrophy, type 2J. Identifiers: Orphanet 140922, MedGen C1837342, MONDO:0012127, OMIM 608807.

Allele frequency attached by ClinVar (database versions not stated): gnomAD 0.00001; gnomAD exomes 0.00001; TOPMed 0.00001.
gnomAD v4.1: 12 of 1,613,926 alleles (0.00074%); highest among the groups gnomAD compares: Non-Finnish European, 0.00085%; no homozygotes.

Submissions (2):

Fulgent Genetics
Classification: Uncertain significance for Tibial muscular dystrophy; Myopathy, myofibrillar, 9, with early respiratory failure; Dilated cardiomyopathy 1G; Autosomal recessive limb-girdle muscular dystrophy type 2J; Early-onset myopathy with fatal cardiomyopathy; Hypertrophic cardiomyopathy 9. Last evaluated: 2021-09-08. Review status: criteria provided, single submitter. Criteria: ACMG Guidelines, 2015. Collection method: clinical testing. Allele origin: unknown.

GeneDx
Classification: Uncertain significance. Last evaluated: 2014-04-02. Review status: criteria provided, single submitter. Criteria: GeneDx Variant Classification (06012015). Collection method: clinical testing. Allele origin: germline. Affected: yes.
Comment: Missense variants in the TTN gene are considered 'unclassified' if they are not previously reported in the literature and do not have >1% frequency in the population to be considered a polymorphism. Research indicates that truncating mutations in the TTN gene are expected to account for approximately 25% of familial and 18% of sporadic idiopathic DCM; however, truncating variants in the TTN gene have been reported in approximately 3% of reported control alleles. There has been little investigation into non-truncating variants. (Herman D et al. Truncations of titin causing dilated cardiomyopathy. N Eng J Med 366:619-628, 2012) The variant is found in CARDIOMYOPATHY panel(s).

NM_001267550.2(TTN):c.3027C>A (p.Asp1009Glu)

Gene: TTN (titin; minus strand). Cytogenetic location: 2q31.2.
Variant type: single nucleotide variant.
Coding change: c.3027C>A on transcript NM_001267550.2 (MANE Select); coding-DNA position 3027, C replaced by A.
Protein change: p.Asp1009Glu; replaces aspartic acid 1009 with glutamic acid.
Molecular consequence: missense variant.
Genome position (GRCh38, 1-based): chr2:178,782,879, G>T on the plus strand (C>A on the coding strand, the complement: TTN is on the minus strand). VCF-style: chr2-178782879-G-T. GRCh37 (hg19) VCF-style: chr2-179647606-G-T.
Other names: p.D1009E:GAC>GAA; c.3027C>A, p.Asp1009Glu (NM_001256850.1, NM_133378.4, NM_133379.5); c.2889C>A, p.Asp963Glu (NM_003319.4, NM_133432.3, NM_133437.4); short protein forms D1009E, D963E.
Identifiers: ClinVar variation 202945 (VCV000202945.3), dbSNP rs794729523, ClinGen allele CA310767.